The following is an entry in ClinVar:

ClinVar aggregate classification (germline): Uncertain significance. Review status: criteria provided, multiple submitters, no conflicts (2 of 4 stars). 3 submissions from 3 submitters: Uncertain significance (3). Last evaluated 2024-09-02.

Conditions:
Hereditary cancer-predisposing syndrome. Also called: Neoplastic Syndromes, Hereditary; Tumor predisposition; Hereditary Cancer Syndrome; Hereditary neoplastic syndrome. Identifiers: Orphanet 140162, MedGen C0027672, MeSH D009386, MONDO:0015356.
Breast-ovarian cancer, familial, susceptibility to, 4. Identifiers: Orphanet 145, MedGen C3280345, MONDO:0013669, OMIM 614291.

Allele frequency attached by ClinVar (database versions not stated): gnomAD exomes below 0.00001.
gnomAD v4.1: 2 of 1,614,212 alleles (0.00012%); highest among the groups gnomAD compares: Non-Finnish European, 0.00017%; no homozygotes.

Submissions (3):

Ambry Genetics
Classification: Uncertain significance for Hereditary cancer-predisposing syndrome. Last evaluated: 2024-09-02. Review status: criteria provided, single submitter. Criteria: Ambry Variant Classification Scheme 2023. Collection method: clinical testing. Allele origin: germline.
Comment: The p.E159G variant (also known as c.476A>G), located in coding exon 5 of the RAD51D gene, results from an A to G substitution at nucleotide position 476. The glutamic acid at codon 159 is replaced by glycine, an amino acid with similar properties. This amino acid position is not well conserved in available vertebrate species. In addition, this alteration is predicted to be tolerated by in silico analysis. Since supporting evidence is limited at this time, the clinical significance of this alteration remains unclear.

Labcorp Genetics (formerly Invitae), Labcorp
Classification: Uncertain significance for Breast-ovarian cancer, familial, susceptibility to, 4. Last evaluated: 2024-06-05. Review status: criteria provided, single submitter. Criteria: Invitae Variant Classification Sherloc (09022015). Collection method: clinical testing. Allele origin: germline.
Comment: This sequence change replaces glutamic acid, which is acidic and polar, with glycine, which is neutral and non-polar, at codon 159 of the RAD51D protein (p.Glu159Gly). This variant is not present in population databases (gnomAD no frequency). This variant has not been reported in the literature in individuals affected with RAD51D-related conditions. ClinVar contains an entry for this variant (Variation ID: 472610). An algorithm developed to predict the effect of missense changes on protein structure and function (PolyPhen-2) suggests that this variant is likely to be tolerated. In summary, the available evidence is currently insufficient to determine the role of this variant in disease. Therefore, it has been classified as a Variant of Uncertain Significance.

Color Diagnostics, LLC DBA Color Health
Classification: Uncertain significance for Hereditary cancer-predisposing syndrome. Last evaluated: 2023-05-23. Review status: criteria provided, single submitter. Criteria: ACMG Guidelines, 2015. Collection method: clinical testing. Allele origin: germline.
Comment: This missense variant replaces glutamic acid with glycine at codon 159 of the RAD51D protein. Computational prediction suggests that this variant may not impact protein structure and function (internally defined REVEL score threshold <= 0.5, PMID: 27666373). To our knowledge, functional studies have not been reported for this variant. This variant has not been reported in individuals affected with hereditary cancer in the literature. This variant has not been identified in the general population by the Genome Aggregation Database (gnomAD). The available evidence is insufficient to determine the role of this variant in disease conclusively. Therefore, this variant is classified as a Variant of Uncertain Significance.

NM_002878.4(RAD51D):c.476A>G (p.Glu159Gly)

Genes: RAD51L3-RFFL (RAD51L3-RFFL readthrough; minus strand), RAD51D (RAD51 paralog D; minus strand). Cytogenetic location: 17q12.
Variant type: single nucleotide variant.
Coding change: c.476A>G on transcript NM_002878.4 (MANE Select); coding-DNA position 476, A replaced by G.
Protein change: p.Glu159Gly; replaces glutamic acid 159 with glycine.
Molecular consequence: missense variant. On other transcripts: non-coding transcript variant (1), intron variant (1).
Genome position (GRCh38, 1-based): chr17:35,106,992, T>C on the plus strand (A>G on the coding strand, the complement: RAD51D is on the minus strand). VCF-style: chr17-35106992-T-C. GRCh37 (hg19) VCF-style: chr17-33434011-T-C.
Other names: c.536A>G, p.Glu179Gly (NM_001142571.2); c.145-511A>G (NM_133629.3); short protein forms E159G, E179G.
Identifiers: ClinVar variation 472610 (VCV000472610.11), dbSNP rs1555568282, ClinGen allele CA399089149.
Genomic context (GRCh38, chr17:35,106,992, plus strand): 5'-GATAATGGGGTTTTCCTGTGTCAGAATCTCAATGGAACCCAGCATCCTGCCCTTACCTGT[T>C]CCTCCTCATCCTGGGTTTTAGCCTGAAGCAGCTGGAGGAGGCGGGAAGCTGTCAGCCCTC-3'
Protein context (NP_002869.3, residues 149-169): LLQAKTQDEE[Glu159Gly]QAEALRRIQV